The following is an entry in ClinVar:

ClinVar aggregate classification (germline): Uncertain significance (1 of 4 stars; one submission).

Conditions:
ALMS1-related disorder. Also called: ALMS1-related condition.

Submission:

PreventionGenetics, part of Exact Sciences
Classification: Uncertain significance for ALMS1-related condition. Last evaluated: 2023-07-31. Review status: criteria provided, single submitter. Criteria: ACMG Guidelines, 2015. Collection method: clinical testing. Allele origin: germline.
Comment: The ALMS1 c.1968G>T variant is predicted to result in the amino acid substitution p.Gln656His. To our knowledge, this variant has not been reported in the literature. This variant is reported in 0.0071% of alleles in individuals of European (Non-Finnish) descent in gnomAD. At this time, the clinical significance of this variant is uncertain due to the absence of conclusive functional and genetic evidence.

NM_001378454.1(ALMS1):c.1965G>T (p.Val655=)

Gene: ALMS1 (ALMS1 centrosome and basal body associated protein; plus strand). Cytogenetic location: 2p13.1.
Variant type: single nucleotide variant.
Coding change: c.1965G>T on transcript NM_001378454.1 (MANE Select); coding-DNA position 1965, G replaced by T.
Protein change: p.Val655=; no amino-acid change (valine 655 retained).
Molecular consequence: synonymous variant.
Genome position (GRCh38, 1-based): chr2:73,448,492, G>T. VCF-style: chr2-73448492-G-T. GRCh37 (hg19) VCF-style: chr2-73675619-G-T.
Other names: c.1968G>T, p.Val656= (NM_015120.4).
Identifiers: ClinVar variation 2630740 (VCV002630740.1), dbSNP rs1553403345, ClinGen allele CA427019329.